The following is an entry in ClinVar:

ClinVar aggregate classification (germline): Likely benign (0 of 4 stars; one submission).

Conditions:
VPS13C-related disorder. Also called: VPS13C-related condition.

Allele frequency attached by ClinVar (database versions not stated): ExAC 0.00001.
gnomAD v4.1: 3 of 1,601,564 alleles (0.00019%); highest among the groups gnomAD compares: Admixed American, 0.0051%; no homozygotes.

Submission:

PreventionGenetics, part of Exact Sciences
Classification: Likely benign for VPS13C-related condition. Last evaluated: 2020-02-20. Review status: no assertion criteria provided. Collection method: clinical testing. Allele origin: germline.
Comment: This variant is classified as likely benign based on ACMG/AMP sequence variant interpretation guidelines (Richards et al. 2015 PMID: 25741868, with internal and published modifications).

NM_020821.3(VPS13C):c.9555A>T (p.Ser3185=)

Gene: VPS13C (vacuolar protein sorting 13 homolog C; minus strand). Cytogenetic location: 15q22.2.
Variant type: single nucleotide variant.
Coding change: c.9555A>T on transcript NM_020821.3 (MANE Select); coding-DNA position 9555, A replaced by T.
Protein change: p.Ser3185=; no amino-acid change (serine 3185 retained).
Molecular consequence: synonymous variant.
Genome position (GRCh38, 1-based): chr15:61,882,665, T>A on the plus strand (A>T on the coding strand, the complement: VPS13C is on the minus strand). VCF-style: chr15-61882665-T-A. GRCh37 (hg19) VCF-style: chr15-62174864-T-A.
Other names: c.9555A>T, p.Ser3185= (NM_001018088.3); c.9426A>T, p.Ser3142= (NM_017684.5, NM_018080.4).
Identifiers: ClinVar variation 3051268 (VCV003051268.2), dbSNP rs757628247, ClinGen allele CA7594613.